The following is an entry in ClinVar:

NC_000002.12:g.(?_188974480)_(189580648_?)del

Genes: COL3A1 (collagen type III alpha 1 chain; plus strand), COL5A2 (collagen type V alpha 2 chain; minus strand), SLC40A1 (solute carrier family 40 member 1; minus strand), WDR75 (WD repeat domain 75; plus strand). Cytogenetic location: 2q32.2.
Variant type: Deletion.
Identifiers: ClinVar variation 830862 (VCV000830862.4).

ClinVar aggregate classification (germline): Pathogenic. Review status: criteria provided, single submitter (1 of 4 stars). 2 submissions from 1 submitter: Pathogenic (2). Last evaluated 2020-01-13.

Conditions:
Ehlers-Danlos syndrome, classic type (cEDS). Identifiers: Orphanet 287, MedGen C4225429, MONDO:0007522.
Ehlers-Danlos syndrome, type 4 (EDSVASC). Also called: Ehlers-Danlos Syndrome Type IV; Ehlers-Danlos syndrome vascular type; Ehlers Danlos syndrome, ecchymotic type; Ehlers Danlos syndrome, arterial type; Ehlers Danlos syndrome, Sack-Barabas type. Identifiers: Orphanet 286, MedGen C0268338, MONDO:0017314, OMIM 130050.

Submissions (2):

Labcorp Genetics (formerly Invitae), Labcorp
Classification: Pathogenic for Ehlers-Danlos syndrome, classic type, 1. Last evaluated: 2020-01-13. Review status: criteria provided, single submitter. Criteria: Invitae Variant Classification Sherloc (09022015). Collection method: clinical testing. Allele origin: germline.
Comment: A gross deletion of the genomic region encompassing the full coding sequence of the COL5A2 gene has been identified. The boundaries of this event are unknown as the deletion extends beyond the assayed region for this gene and therefore may encompass additional genes. Isolated whole-gene deletions of COL5A2 have not been reported in the literature. However, larger copy number events that include this gene have been reported (PMID: 20648054). Loss-of-function variants in COL5A2 are known to be pathogenic (PMID: 23587214). For these reasons, this variant has been classified as Pathogenic.

Labcorp Genetics (formerly Invitae), Labcorp
Classification: Pathogenic for Ehlers-Danlos syndrome, type 4. Last evaluated: 2019-11-18. Review status: criteria provided, single submitter. Criteria: Invitae Variant Classification Sherloc (09022015). Collection method: clinical testing. Allele origin: germline.
Comment: A gross deletion of the genomic region encompassing the full coding sequence of the COL3A1 gene has been identified. The boundaries of this event are unknown as the deletion extends beyond the assayed region for this gene and therefore may encompass additional genes. Isolated whole-gene deletions of COL3A1 have not been reported in the literature. However, larger copy number events that include this gene have been reported (PMID: 20648054). Loss-of-function variants in COL3A1 are known to be pathogenic (PMID: 24922459). For these reasons, this variant has been classified as Pathogenic.

Literature cited by the submitters: PubMed 20648054; PubMed 23587214.